The following is an entry in ClinVar:

NM_016333.4(SRRM2):c.7899TTC[3] (p.Ser2648del)

Gene: SRRM2 (serine/arginine repetitive matrix 2; plus strand). Cytogenetic location: 16p13.3.
Variant type: Microsatellite.
Coding change: c.7899TTC[3] on transcript NM_016333.4 (MANE Select); three copies in a row of the 3-base unit TTC starting at c.7899; the reference has four copies in a row; one copy, 3 bases deleted.
Protein change: p.Ser2648del; deletes serine 2648.
Molecular consequence: inframe deletion.
Genome position (GRCh38, 1-based): chr16:2,769,171-2,769,173, TTC deleted; deleting any 3 consecutive bases within chr16:2,769,160-2,769,173 gives the same sequence; the position shown is the placement nearest the transcript's 3' end. VCF-style (leftmost placement, unchanged base first): chr16-2769159-CTCT-C. GRCh37 (hg19) VCF-style: chr16-2819160-CTCT-C.
Other names: short protein forms S2648del.
Identifiers: ClinVar variation 3257580 (VCV003257580.18).
Genomic context (GRCh38, chr16:2,769,159, plus strand): 5'-CAGCTCCTCCTCTTCATCTTCCTCCTCCTCCTCCTCCTCCTCTTCTTCCTCCTCCTCTTC[CTCT>C]TCTTCTTCTTCCTCCTCATCTTCCTCCTCCTCGTCGTCTTCCTCCCCTTCCCCTGCTAAG-3'

ClinVar aggregate classification (germline): Likely benign. Review status: criteria provided, multiple submitters, no conflicts (2 of 4 stars). 2 submissions from 2 submitters: Likely benign (2). Last evaluated 2026-07-01.

Submissions (2):

CeGaT Center for Human Genetics Tuebingen
Classification: Likely benign. Last evaluated: 2026-07-01. Review status: criteria provided, single submitter. Criteria: CeGaT Center For Human Genetics Tuebingen Variant Classification Criteria Version 2. Collection method: clinical testing. Allele origin: germline. Affected: yes. Observed: 3 variant alleles.
Comment: SRRM2: BS1

Blueprint Genetics
Classification: Likely benign. Last evaluated: 2024-10-16. Review status: criteria provided, single submitter. Criteria: ACMG Guidelines, 2015. Collection method: clinical testing. Allele origin: germline.